The following is an entry in ClinVar:

ClinVar aggregate classification (germline): Uncertain significance (1 of 4 stars; one submission).

gnomAD v4.1: 2 of 1,614,052 alleles (0.00012%); highest among the groups gnomAD compares: Middle Eastern, 0.016%; no homozygotes.

Submission:

Ambry Genetics
Classification: Uncertain significance. Last evaluated: 2025-06-01. Review status: criteria provided, single submitter. Criteria: Ambry Variant Classification Scheme 2023. Collection method: clinical testing. Allele origin: germline.
Comment: The p.Q440E variant (also known as c.1318C>G), located in coding exon 1 of the TET2 gene, results from a C to G substitution at nucleotide position 1318. The glutamine at codon 440 is replaced by glutamic acid, an amino acid with highly similar properties. This amino acid position is conserved. In addition, this alteration is predicted to be tolerated by in silico analysis. Based on the available evidence, the clinical significance of this variant remains unclear.

NM_001127208.3(TET2):c.1318C>G (p.Gln440Glu)

Genes: TET2 (tet methylcytosine dioxygenase 2; plus strand), TET2-AS1 (TET2 antisense RNA 1; minus strand). Cytogenetic location: 4q24.
Variant type: single nucleotide variant.
Coding change: c.1318C>G on transcript NM_001127208.3 (MANE Select); coding-DNA position 1318, C replaced by G.
Protein change: p.Gln440Glu; replaces glutamine 440 with glutamic acid.
Molecular consequence: missense variant.
Genome position (GRCh38, 1-based): chr4:105,235,260, C>G. VCF-style: chr4-105235260-C-G. GRCh37 (hg19) VCF-style: chr4-106156417-C-G.
Other names: c.1318C>G, p.Gln440Glu (NM_017628.4); short protein forms Q440E.
Identifiers: ClinVar variation 3967684 (VCV003967684.1).